The following is an entry in ClinVar:

NM_005869.4(CWC27):c.1257G>T (p.Trp419Cys)

Gene: CWC27 (CWC27 spliceosome associated cyclophilin; plus strand). Cytogenetic location: 5q12.3.
Variant type: single nucleotide variant.
Coding change: c.1257G>T on transcript NM_005869.4 (MANE Select); coding-DNA position 1257, G replaced by T.
Protein change: p.Trp419Cys; replaces tryptophan 419 with cysteine.
Molecular consequence: missense variant.
Genome position (GRCh38, 1-based): chr5:65,018,159, G>T. VCF-style: chr5-65018159-G-T. GRCh37 (hg19) VCF-style: chr5-64313986-G-T.
Other names: c.1153G>T, p.Asp385Tyr (NM_001297644.1); c.1257G>T (NM_005869.2); short protein forms W419C, D385Y.
Identifiers: ClinVar variation 1921297 (VCV001921297.5), dbSNP rs960559538, ClinGen allele CA120341175.

ClinVar aggregate classification (germline): Uncertain significance. Review status: criteria provided, multiple submitters, no conflicts (2 of 4 stars). 2 submissions from 2 submitters: Uncertain significance (2). Last evaluated 2024-12-20.

Conditions:
Inborn genetic diseases. Identifiers: MedGen C0950123, MeSH D030342.

Allele frequency attached by ClinVar (database versions not stated): gnomAD 0.00001; gnomAD exomes 0.00001; TOPMed 0.00001.

Submissions (2):

Ambry Genetics
Classification: Uncertain significance for Inborn genetic diseases. Last evaluated: 2024-12-20. Review status: criteria provided, single submitter. Criteria: Ambry Variant Classification Scheme 2023. Collection method: clinical testing. Allele origin: germline.

Labcorp Genetics (formerly Invitae), Labcorp
Classification: Uncertain significance. Last evaluated: 2022-04-22. Review status: criteria provided, single submitter. Criteria: Invitae Variant Classification Sherloc (09022015). Collection method: clinical testing. Allele origin: germline.
Comment: In summary, the available evidence is currently insufficient to determine the role of this variant in disease. Therefore, it has been classified as a Variant of Uncertain Significance. Algorithms developed to predict the effect of missense changes on protein structure and function are either unavailable or do not agree on the potential impact of this missense change (SIFT: "Deleterious"; PolyPhen-2: "Benign"; Align-GVGD: "Class C0"). This variant has not been reported in the literature in individuals affected with CWC27-related conditions. This variant is not present in population databases (gnomAD no frequency). This sequence change replaces tryptophan, which is neutral and slightly polar, with cysteine, which is neutral and slightly polar, at codon 419 of the CWC27 protein (p.Trp419Cys).